The following is an entry in ClinVar:

ClinVar aggregate classification (germline): Uncertain significance (1 of 4 stars; one submission).

Allele frequency attached by ClinVar (database versions not stated): TOPMed below 0.00001; gnomAD 0.00001; gnomAD exomes 0.00003 and 0.00005; ExAC 0.00007.
gnomAD v4.1: 40 of 1,603,816 alleles (0.0025%); highest among the groups gnomAD compares: Non-Finnish European, 0.0026%; no homozygotes.

Submission:

Labcorp Genetics (formerly Invitae), Labcorp
Classification: Uncertain significance. Last evaluated: 2021-12-10. Review status: criteria provided, single submitter. Criteria: Invitae Variant Classification Sherloc (09022015). Collection method: clinical testing. Allele origin: germline.
Comment: This sequence change replaces leucine, which is neutral and non-polar, with arginine, which is basic and polar, at codon 1477 of the RTTN protein (p.Leu1477Arg). This variant is present in population databases (rs753624472, gnomAD 0.009%). This variant has not been reported in the literature in individuals affected with RTTN-related conditions. Algorithms developed to predict the effect of missense changes on protein structure and function are either unavailable or do not agree on the potential impact of this missense change (SIFT: "Deleterious"; PolyPhen-2: "Probably Damaging"; Align-GVGD: "Class C0"). In summary, the available evidence is currently insufficient to determine the role of this variant in disease. Therefore, it has been classified as a Variant of Uncertain Significance.

NM_173630.4(RTTN):c.4430T>G (p.Leu1477Arg)

Gene: RTTN (rotatin; minus strand). Cytogenetic location: 18q22.2.
Variant type: single nucleotide variant.
Coding change: c.4430T>G on transcript NM_173630.4 (MANE Select); coding-DNA position 4430, T replaced by G.
Protein change: p.Leu1477Arg; replaces leucine 1477 with arginine.
Molecular consequence: missense variant.
Genome position (GRCh38, 1-based): chr18:70,075,486, A>C on the plus strand (T>G on the coding strand, the complement: RTTN is on the minus strand). VCF-style: chr18-70075486-A-C. GRCh37 (hg19) VCF-style: chr18-67742722-A-C.
Other names: c.1694T>G, p.Leu565Arg (NM_001318520.2); short protein forms L565R, L1477R.
Identifiers: ClinVar variation 1516613 (VCV001516613.3), dbSNP rs753624472, ClinGen allele CA8995254.